The following is an entry in ClinVar:

ClinVar aggregate classification (germline): Likely benign (1 of 4 stars; one submission).

Conditions:
MELAS syndrome (MELAS). Also called: Juvenile myopathy, encephalopathy, lactic acidosis, stroke. Identifiers: Orphanet 550, MedGen C0162671, MONDO:0010789, OMIM 540000.

Submission:

Wong Mito Lab, Molecular and Human Genetics, Baylor College of Medicine
Classification: Likely benign for MELAS syndrome. Last evaluated: 2019-07-12. Review status: criteria provided, single submitter. Criteria: Modified ACMG Guidelines (Unpublished). Collection method: clinical testing. Allele origin: germline.
Comment: The NC_012920.1:m.12196C>T variant in MT-TH gene is interpreted to be a Likely Benign variant based on the modified ACMG guidelines (unpublished). This variant meets the following evidence codes reported in the guidelines: BP4, BP6

Literature cited by the submitters: PubMed 31965079.

NC_012920.1(MT-TH):m.12196C>T

Gene: MT-TH (mitochondrially encoded tRNA histidine; plus strand).
Variant type: single nucleotide variant.
Genome position: chrM-12196-C-T.
Identifiers: ClinVar variation 690154 (VCV000690154.1), dbSNP rs1556424080, ClinGen allele CA913169666.